The following is an entry in ClinVar:

NM_006231.4(POLE):c.68A>T (p.Asp23Val)

Gene: POLE (DNA polymerase epsilon, catalytic subunit; minus strand). Cytogenetic location: 12q24.33.
Variant type: single nucleotide variant.
Coding change: c.68A>T on transcript NM_006231.4 (MANE Select); coding-DNA position 68, A replaced by T.
Protein change: p.Asp23Val; replaces aspartic acid 23 with valine.
Molecular consequence: missense variant.
Genome position (GRCh38, 1-based): chr12:132,681,274, T>A on the plus strand (A>T on the coding strand, the complement: POLE is on the minus strand). VCF-style: chr12-132681274-T-A. GRCh37 (hg19) VCF-style: chr12-133257860-T-A.
Other names: c.68A>T (NM_006231.2); short protein forms D23V.
Identifiers: ClinVar variation 2161725 (VCV002161725.5), dbSNP rs765898876, ClinGen allele CA387370704.

ClinVar aggregate classification (germline): Uncertain significance. Review status: criteria provided, multiple submitters, no conflicts (2 of 4 stars). 2 submissions from 2 submitters: Uncertain significance (2). Last evaluated 2024-09-01.

Conditions:
Hereditary cancer-predisposing syndrome. Also called: Hereditary Cancer Syndrome; Neoplastic Syndromes, Hereditary; Tumor predisposition; Hereditary neoplastic syndrome. Identifiers: Orphanet 140162, MedGen C0027672, MeSH D009386, MONDO:0015356.

Submissions (2):

Ambry Genetics
Classification: Uncertain significance for Hereditary cancer-predisposing syndrome. Last evaluated: 2024-09-01. Review status: criteria provided, single submitter. Criteria: Ambry Variant Classification Scheme 2023. Collection method: clinical testing. Allele origin: germline.
Comment: The p.D23V variant (also known as c.68A>T), located in coding exon 2 of the POLE gene, results from an A to T substitution at nucleotide position 68. The aspartic acid at codon 23 is replaced by valine, an amino acid with highly dissimilar properties. This amino acid position is conserved. In addition, the in silico prediction for this alteration is inconclusive. Based on the available evidence, the clinical significance of this variant remains unclear.

Labcorp Genetics (formerly Invitae), Labcorp
Classification: Uncertain significance. Last evaluated: 2021-12-17. Review status: criteria provided, single submitter. Criteria: Invitae Variant Classification Sherloc (09022015). Collection method: clinical testing. Allele origin: germline.
Comment: Algorithms developed to predict the effect of missense changes on protein structure and function (SIFT, PolyPhen-2, Align-GVGD) all suggest that this variant is likely to be tolerated. In summary, the available evidence is currently insufficient to determine the role of this variant in disease. Therefore, it has been classified as a Variant of Uncertain Significance. This variant has not been reported in the literature in individuals affected with POLE-related conditions. This variant is not present in population databases (gnomAD no frequency). This sequence change replaces aspartic acid, which is acidic and polar, with valine, which is neutral and non-polar, at codon 23 of the POLE protein (p.Asp23Val).